The following is an entry in ClinVar:

ClinVar aggregate classification (germline): Uncertain significance (1 of 4 stars; one submission).

Conditions:
Cardiovascular phenotype. Identifiers: MedGen CN230736.

Allele frequency attached by ClinVar (database versions not stated): TOPMed below 0.00001; gnomAD 0.00001; gnomAD exomes 0.00002.
gnomAD v4.1: 22 of 1,612,318 alleles (0.0014%); highest among the groups gnomAD compares: South Asian, 0.0044%; no homozygotes.

Submission:

Ambry Genetics
Classification: Uncertain significance for Cardiovascular phenotype. Last evaluated: 2023-11-21. Review status: criteria provided, single submitter. Criteria: Ambry Variant Classification Scheme 2023. Collection method: clinical testing. Allele origin: germline.
Comment: The p.R2548C variant (also known as c.7642C>T), located in coding exon 21 of the TNXB gene, results from a C to T substitution at nucleotide position 7642. The arginine at codon 2548 is replaced by cysteine, an amino acid with highly dissimilar properties. This amino acid position is conserved. In addition, this alteration is predicted to be tolerated by in silico analysis. Since supporting evidence is limited at this time, the clinical significance of this alteration remains unclear.

NM_001365276.2(TNXB):c.7642C>T (p.Arg2548Cys)

Gene: TNXB (tenascin XB; minus strand). Cytogenetic location: 6p21.33.
Variant type: single nucleotide variant.
Coding change: c.7642C>T on transcript NM_001365276.2 (MANE Select); coding-DNA position 7642, C replaced by T.
Protein change: p.Arg2548Cys; replaces arginine 2548 with cysteine.
Molecular consequence: missense variant.
Genome position (GRCh38, 1-based): chr6:32,058,241, G>A on the plus strand (C>T on the coding strand, the complement: TNXB is on the minus strand). VCF-style: chr6-32058241-G-A. GRCh37 (hg19) VCF-style: chr6-32026018-G-A.
Other names: c.8383C>T, p.Arg2795Cys (NM_001428335.1); c.7642C>T, p.Arg2548Cys (NM_019105.8); short protein forms R2548C, R2795C.
Identifiers: ClinVar variation 3227323 (VCV003227323.1), dbSNP rs1215979713, ClinGen allele CA363551444.
Genomic context (GRCh38, chr6:32,058,241, plus strand): 5'-CACGCACCGCCTGGGGCCGCCCGTCCCTGTCCTTGTACTGCACGGTGAAGGAGTCAAAGC[G>A]GCCCTGGGGGACGGTCCAGGAAAGGCTCAGCGAGTCAGGGGAGGATCCTGTCACTGTCAG-3'
Protein context (NP_001352205.1, residues 2538-2558): LSLSWTVPQG[Arg2548Cys]FDSFTVQYKD